The following is an entry in ClinVar:

NM_001191061.2(SLC25A22):c.344C>T (p.Thr115Ile)

Gene: SLC25A22 (solute carrier family 25 member 22; minus strand). Cytogenetic location: 11p15.5.
Variant type: single nucleotide variant.
Coding change: c.344C>T on transcript NM_001191061.2 (MANE Select); coding-DNA position 344, C replaced by T.
Protein change: p.Thr115Ile; replaces threonine 115 with isoleucine.
Molecular consequence: missense variant.
Genome position (GRCh38, 1-based): chr11:792,938, G>A on the plus strand (C>T on the coding strand, the complement: SLC25A22 is on the minus strand). VCF-style: chr11-792938-G-A. GRCh37 (hg19) VCF-style: chr11-792938-G-A.
Other names: c.344C>T, p.Thr115Ile (NM_001191060.2, NM_024698.6); short protein forms T115I.
Identifiers: ClinVar variation 589904 (VCV000589904.7), dbSNP rs1565037117, ClinGen allele CA378971033.

ClinVar aggregate classification (germline): Uncertain significance. Review status: criteria provided, multiple submitters, no conflicts (2 of 4 stars). 2 submissions from 2 submitters: Uncertain significance (2). Last evaluated 2022-05-27.

Conditions:
Developmental and epileptic encephalopathy. Identifiers: MedGen C5779964, MONDO:0100620.
Inborn genetic diseases. Identifiers: MedGen C0950123, MeSH D030342.

Allele frequency attached by ClinVar (database versions not stated): gnomAD exomes below 0.00001.
gnomAD v4.1: 2 of 1,613,232 alleles (0.00012%); highest among the groups gnomAD compares: Non-Finnish European, 0.00017%; no homozygotes.

Submissions (2):

Labcorp Genetics (formerly Invitae), Labcorp
Classification: Uncertain significance for Early-infantile DEE. Last evaluated: 2022-05-27. Review status: criteria provided, single submitter. Criteria: Invitae Variant Classification Sherloc (09022015). Collection method: clinical testing. Allele origin: germline.
Comment: This sequence change replaces threonine, which is neutral and polar, with isoleucine, which is neutral and non-polar, at codon 115 of the SLC25A22 protein (p.Thr115Ile). This variant is not present in population databases (gnomAD no frequency). This variant has not been reported in the literature in individuals affected with SLC25A22-related conditions. ClinVar contains an entry for this variant (Variation ID: 589904). Algorithms developed to predict the effect of missense changes on protein structure and function are either unavailable or do not agree on the potential impact of this missense change (SIFT: "Tolerated"; PolyPhen-2: "Possibly Damaging"; Align-GVGD: "Class C0"). In summary, the available evidence is currently insufficient to determine the role of this variant in disease. Therefore, it has been classified as a Variant of Uncertain Significance.

Ambry Genetics
Classification: Uncertain significance for Inborn genetic diseases. Last evaluated: 2016-08-12. Review status: criteria provided, single submitter. Criteria: Ambry Variant Classification Scheme 2023. Collection method: clinical testing. Allele origin: germline.
Comment: The p.T115I variant (also known as c.344C>T), located in coding exon 5 of the SLC25A22 gene, results from a C to T substitution at nucleotide position 344. The threonine at codon 115 is replaced by isoleucine, an amino acid with similar properties. This variant was not reported in population based cohorts in the following databases: Database of Single Nucleotide Polymorphisms (dbSNP), NHLBI Exome Sequencing Project (ESP), and 1000 Genomes Project. In the ESP, this variant was not observed in 6502 samples (13004 alleles) with coverage at this position. This amino acid position is well conserved in available vertebrate species. In addition, the in silico prediction for this alteration is inconclusive. Since supporting evidence is limited at this time, the clinical significance of this variant remains unclear.